The following is an entry in ClinVar:

ClinVar aggregate classification (germline): Uncertain significance (1 of 4 stars; one submission).

Conditions:
Primary ciliary dyskinesia. Also called: Ciliary dyskinesia. Identifiers: Orphanet 244, MedGen C0008780, MONDO:0016575, HP:0012265.

Allele frequency attached by ClinVar (database versions not stated): ExAC 0.00001; gnomAD 0.00001; TOPMed 0.00001.
gnomAD v4.1: 6 of 1,604,474 alleles (0.00037%); highest among the groups gnomAD compares: South Asian, 0.0034%; no homozygotes.

Submission:

Labcorp Genetics (formerly Invitae), Labcorp
Classification: Uncertain significance for Primary ciliary dyskinesia. Last evaluated: 2022-07-22. Review status: criteria provided, single submitter. Criteria: Invitae Variant Classification Sherloc (09022015). Collection method: clinical testing. Allele origin: germline.
Comment: In summary, the available evidence is currently insufficient to determine the role of this variant in disease. Therefore, it has been classified as a Variant of Uncertain Significance. Algorithms developed to predict the effect of missense changes on protein structure and function are either unavailable or do not agree on the potential impact of this missense change (SIFT: "Deleterious"; PolyPhen-2: "Not Available"; Align-GVGD: "Class C0"). This variant has not been reported in the literature in individuals affected with DNAH8-related conditions. This variant is present in population databases (rs764580800, gnomAD 0.007%). This sequence change replaces tyrosine, which is neutral and polar, with serine, which is neutral and polar, at codon 1190 of the DNAH8 protein (p.Tyr1190Ser).

NM_001206927.2(DNAH8):c.3569A>C (p.Tyr1190Ser)

Gene: DNAH8 (dynein axonemal heavy chain 8; plus strand). Cytogenetic location: 6p21.2.
Variant type: single nucleotide variant.
Coding change: c.3569A>C on transcript NM_001206927.2 (MANE Select); coding-DNA position 3569, A replaced by C.
Protein change: p.Tyr1190Ser; replaces tyrosine 1190 with serine.
Molecular consequence: missense variant.
Genome position (GRCh38, 1-based): chr6:38,822,883, A>C. VCF-style: chr6-38822883-A-C. GRCh37 (hg19) VCF-style: chr6-38790659-A-C.
Other names: c.2918A>C, p.Tyr973Ser (NM_001371.4); short protein forms Y1190S, Y973S.
Identifiers: ClinVar variation 1713349 (VCV001713349.6), dbSNP rs764580800, ClinGen allele CA3788882.